The following is an entry in ClinVar:

ClinVar aggregate classification (germline): Conflicting classifications of pathogenicity. Review status: criteria provided, conflicting classifications (1 of 4 stars). 2 submissions from 2 submitters: Uncertain significance (1); Likely benign (1). Last evaluated 2024-12-20.

Conditions:
Inborn genetic diseases. Identifiers: MedGen C0950123, MeSH D030342.
Baller-Gerold syndrome (BGS). Also called: CRANIOSYNOSTOSIS WITH RADIAL DEFECTS. Identifiers: Orphanet 1225, MedGen C0265308, MONDO:0009039, OMIM 218600.

Allele frequency attached by ClinVar (database versions not stated): gnomAD exomes 0.00001; TOPMed below 0.00001.
gnomAD v4.1: 20 of 1,612,290 alleles (0.0012%); highest among the groups gnomAD compares: Non-Finnish European, 0.0016%; no homozygotes.

Submissions (2):

Ambry Genetics
Classification: Likely benign for Inborn genetic diseases. Last evaluated: 2024-12-20. Review status: criteria provided, single submitter. Criteria: Ambry Variant Classification Scheme 2023. Collection method: clinical testing. Allele origin: germline.

Labcorp Genetics (formerly Invitae), Labcorp
Classification: Uncertain significance for Baller-Gerold syndrome. Last evaluated: 2022-03-25. Review status: criteria provided, single submitter. Criteria: Invitae Variant Classification Sherloc (09022015). Collection method: clinical testing. Allele origin: germline.
Comment: This sequence change replaces alanine, which is neutral and non-polar, with valine, which is neutral and non-polar, at codon 607 of the RECQL4 protein (p.Ala607Val). This variant is present in population databases (no rsID available, gnomAD 0.005%). This variant has not been reported in the literature in individuals affected with RECQL4-related conditions. Experimental studies and prediction algorithms are not available or were not evaluated, and the functional significance of this variant is currently unknown. In summary, the available evidence is currently insufficient to determine the role of this variant in disease. Therefore, it has been classified as a Variant of Uncertain Significance.

NM_004260.4(RECQL4):c.1820C>T (p.Ala607Val)

Gene: RECQL4 (RecQ like helicase 4; minus strand). Cytogenetic location: 8q24.3.
Variant type: single nucleotide variant.
Coding change: c.1820C>T on transcript NM_004260.4 (MANE Select); coding-DNA position 1820, C replaced by T.
Protein change: p.Ala607Val; replaces alanine 607 with valine.
Molecular consequence: missense variant.
Genome position (GRCh38, 1-based): chr8:144,514,247, G>A on the plus strand (C>T on the coding strand, the complement: RECQL4 is on the minus strand). VCF-style: chr8-144514247-G-A. GRCh37 (hg19) VCF-style: chr8-145739631-G-A.
Other names: c.1820C>T (NM_004260.3); short protein forms A607V.
Identifiers: ClinVar variation 1524075 (VCV001524075.4), dbSNP rs1479605538, ClinGen allele CA372680800.